The following is an entry in ClinVar:

ClinVar aggregate classification (germline): Likely pathogenic. Review status: criteria provided, single submitter (1 of 4 stars). 2 submissions from 2 submitters: Likely pathogenic (1). 1 of the submissions does not count toward it. Last evaluated 2026-05-20.

Conditions:
Intellectual developmental disorder with hypertelorism and distinctive facies. Identifiers: MedGen C4748381, MONDO:0029143, OMIM 618147.

Submissions (2):

Ambry Genetics
Classification: Likely pathogenic. Last evaluated: 2026-05-20. Review status: criteria provided, single submitter. Criteria: Ambry Variant Classification Scheme 2023. Collection method: clinical testing. Allele origin: germline.
Comment: The c.331A>G (p.K111E) alteration is located in exon 4 (coding exon 3) of the CCNK gene. This alteration results from an A to G substitution at nucleotide position 331, causing the lysine (K) at amino acid position 111 to be replaced by a glutamic acid (E). This variant was not reported in population-based cohorts in the Genome Aggregation Database (gnomAD). This variant was determined to be de novo in at least one individual with features consistent with CCNK-related neurodevelopmental disorder (Fan, 2018). This amino acid position is highly conserved in available vertebrate species. This missense variant is located in a region that has a low rate of benign missense variation (Lek, 2016; Firth, 2009). In a zebrafish assay testing CCNK function, this variant showed a functionally abnormal result (Fan, 2018). The in silico prediction for this alteration is inconclusive. Based on the available evidence, this alteration is classified as likely pathogenic.

OMIM
Classification: Pathogenic for INTELLECTUAL DEVELOPMENTAL DISORDER WITH HYPERTELORISM AND DISTINCTIVE FACIES (1 patient). Last evaluated: 2018-10-16. Review status: no assertion criteria provided. Collection method: literature only. Allele origin: germline. Not counted in ClinVar's aggregate classification.

Literature cited by the submitters: PubMed 30122539 (cited by Ambry Genetics and OMIM).

NM_001099402.2(CCNK):c.331A>G (p.Lys111Glu)

Gene: CCNK (cyclin K; plus strand). Cytogenetic location: 14q32.2.
Variant type: single nucleotide variant.
Coding change: c.331A>G on transcript NM_001099402.2 (MANE Select); coding-DNA position 331, A replaced by G.
Protein change: p.Lys111Glu; replaces lysine 111 with glutamic acid.
Molecular consequence: missense variant.
Genome position (GRCh38, 1-based): chr14:99,495,549, A>G. VCF-style: chr14-99495549-A-G. GRCh37 (hg19) VCF-style: chr14-99961886-A-G.
Other names: short protein forms K111E.
Identifiers: ClinVar variation 585310 (VCV000585310.2), dbSNP rs1566748800, ClinGen allele CA390942452.
Genomic context (GRCh38, chr14:99,495,549, plus strand): 5'-CCCTTTTAGGTGACAGGAGCCTGTTGCCTCTTTCTGGCTGGGAAAGTAGAAGAAACACCA[A>G]AAAAATGTAAAGATATCATCAAAACAGCTCGTAGTTTATTAAATGATGTACAATTTGGCC-3'
Protein context (NP_001092872.1, residues 101-121): FLAGKVEETP[Lys111Glu]KCKDIIKTAR